The following is an entry in ClinVar:

ClinVar aggregate classification (germline): Uncertain significance. Review status: criteria provided, single submitter (1 of 4 stars). 2 submissions from 2 submitters: Uncertain significance (1). 1 of the submissions does not count toward it. Last evaluated 2023-10-03.

Conditions:
Inborn genetic diseases. Identifiers: MedGen C0950123, MeSH D030342.
Autism (AUTS). Also called: Autistic disorder; Autistic disorder of childhood onset. Identifiers: MedGen C0004352, MeSH D001321, MONDO:0005260, OMIM 209850, HP:0000717.

Allele frequency attached by ClinVar (database versions not stated): TOPMed 0.00003; ExAC 0.00002; gnomAD 0.00002.
gnomAD v4.1: 27 of 1,614,036 alleles (0.0017%); highest among the groups gnomAD compares: Middle Eastern, 0.033%; no homozygotes.

Submissions (2):

Ambry Genetics
Classification: Uncertain significance for Inborn genetic diseases. Last evaluated: 2023-10-03. Review status: criteria provided, single submitter. Criteria: Ambry Variant Classification Scheme 2023. Collection method: clinical testing. Allele origin: germline.

Centre for Addiction & Mental Health
Classification: Uncertain significance for Autism. Review status: no assertion criteria provided. Collection method: research. Allele origin: biparental. Affected: yes. Observed: 1 homozygote. Segregation with disease observed. Not counted in ClinVar's aggregate classification.
Comment: Gene not previously associated with disease; independent supportng evidence needed

NM_022575.4(VPS16):c.2501C>A (p.Ala834Glu)

Genes: PTPRA (protein tyrosine phosphatase receptor type A; plus strand), VPS16 (VPS16 core subunit of CORVET and HOPS complexes; plus strand). Cytogenetic location: 20p13.
Variant type: single nucleotide variant.
Coding change: c.2501C>A on transcript NM_022575.4 (MANE Select); coding-DNA position 2501, C replaced by A.
Protein change: p.Ala834Glu; replaces alanine 834 with glutamic acid.
Molecular consequence: missense variant. On other transcripts: intron variant (1).
Genome position (GRCh38, 1-based): chr20:2,866,555, C>A. VCF-style: chr20-2866555-C-A. GRCh37 (hg19) VCF-style: chr20-2847201-C-A.
Other names: c.2069C>A, p.Ala690Glu (NM_080413.3); c.-129+1238C>A (NM_002836.4); short protein forms A690E, A834E.
Identifiers: ClinVar variation 3188841 (VCV003188841.3), dbSNP rs746170658, ClinGen allele CA9738155.
Genomic context (GRCh38, chr20:2,866,555, plus strand): 5'-TGTCCCACTGCACGGGAGCCACAGATGGGGCCACAGCTGACAAGATTCAACGGGCCAGGG[C>A]ACAAGCCCAGAAGAAGTGAGGAGTCCATCCTGTACATCTCAAGCAAGGGGTTCCTCCCCT-3'
Protein context (NP_072097.2, residues 824-839): ATADKIQRAR[Ala834Glu]QAQKK